The following is an entry in ClinVar:

ClinVar aggregate classification (germline): Uncertain significance (1 of 4 stars; one submission).

Submission:

Labcorp Genetics (formerly Invitae), Labcorp
Classification: Uncertain significance. Last evaluated: 2025-12-15. Review status: criteria provided, single submitter. Criteria: Invitae Variant Classification Sherloc (09022015). Collection method: clinical testing. Allele origin: germline.
Comment: This sequence change creates a premature translational stop signal (p.Gln280*) in the TLR7 gene. While this is not anticipated to result in nonsense mediated decay, it is expected to disrupt the last 770 amino acid(s) of the TLR7 protein. This variant is not present in population databases (gnomAD no frequency). This variant has not been reported in the literature in individuals affected with TLR7-related conditions. Experimental studies and prediction algorithms are not available or were not evaluated, and the functional significance of this variant is currently unknown. In summary, the available evidence is currently insufficient to determine the role of this variant in disease. Therefore, it has been classified as a Variant of Uncertain Significance.

NM_016562.4(TLR7):c.838C>T (p.Gln280Ter)

Gene: TLR7 (toll like receptor 7; plus strand). Cytogenetic location: Xp22.2.
Variant type: single nucleotide variant.
Coding change: c.838C>T on transcript NM_016562.4 (MANE Select); coding-DNA position 838, C replaced by T.
Protein change: p.Gln280Ter; replaces glutamine 280 with a stop codon.
Molecular consequence: nonsense.
Genome position (GRCh38, 1-based): chrX:12,886,346, C>T. VCF-style: chrX-12886346-C-T. GRCh37 (hg19) VCF-style: chrX-12904465-C-T.
Other names: short protein forms Q280*.
Identifiers: ClinVar variation 4748557 (VCV004748557.1).